The following is an entry in ClinVar:

ClinVar aggregate classification (germline): Likely benign. Review status: criteria provided, multiple submitters, no conflicts (2 of 4 stars). 2 submissions from 2 submitters: Likely benign (2). Last evaluated 2026-07-18.

Conditions:
LOXHD1-related disorder. Also called: LOXHD1-related condition.

Allele frequency attached by ClinVar (database versions not stated): gnomAD 0.00004; TOPMed 0.00005.
gnomAD v4.1: 106 of 1,551,514 alleles (0.0068%); highest among the groups gnomAD compares: Non-Finnish European, 0.0086%; no homozygotes.

Submissions (2):

PreventionGenetics, part of Exact Sciences
Classification: Likely benign for LOXHD1-related condition. Last evaluated: 2026-07-18. Review status: criteria provided, single submitter. Criteria: ACMG Guidelines, 2015. Collection method: clinical testing. Allele origin: germline.
Comment: This variant is classified as likely benign based on ACMG/AMP sequence variant interpretation guidelines (Richards et al. 2015 PMID: 25741868, with internal and published modifications).

Labcorp Genetics (formerly Invitae), Labcorp
Classification: Likely benign. Last evaluated: 2025-12-01. Review status: criteria provided, single submitter. Criteria: Invitae Variant Classification Sherloc (09022015). Collection method: clinical testing. Allele origin: germline.

NM_001384474.1(LOXHD1):c.5910C>T (p.Val1970=)

Gene: LOXHD1 (lipoxygenase homology PLAT domains 1; minus strand). Cytogenetic location: 18q21.1.
Variant type: single nucleotide variant.
Coding change: c.5910C>T on transcript NM_001384474.1 (MANE Select); coding-DNA position 5910, C replaced by T.
Protein change: p.Val1970=; no amino-acid change (valine 1970 retained).
Molecular consequence: synonymous variant.
Genome position (GRCh38, 1-based): chr18:46,489,111, G>A on the plus strand (C>T on the coding strand, the complement: LOXHD1 is on the minus strand). VCF-style: chr18-46489111-G-A. GRCh37 (hg19) VCF-style: chr18-44069074-G-A.
Other names: c.2577C>T, p.Val859= (NM_001145472.3); c.627C>T, p.Val209= (NM_001145473.3, NM_001173129.2); c.2289C>T, p.Val763= (NM_001308013.2); c.5724C>T, p.Val1908= (NM_144612.7); c.5724C>T (NM_144612.6).
Identifiers: ClinVar variation 1149782 (VCV001149782.10), dbSNP rs777312850, ClinGen allele CA299787012.